The following is an entry in ClinVar:

NM_001868.4(CPA1):c.467C>G (p.Pro156Arg)

Gene: CPA1 (carboxypeptidase A1; plus strand). Cytogenetic location: 7q32.2.
Variant type: single nucleotide variant.
Coding change: c.467C>G on transcript NM_001868.4 (MANE Select); coding-DNA position 467, C replaced by G.
Protein change: p.Pro156Arg; replaces proline 156 with arginine.
Molecular consequence: missense variant.
Genome position (GRCh38, 1-based): chr7:130,382,193, C>G. VCF-style: chr7-130382193-C-G. GRCh37 (hg19) VCF-style: chr7-130022034-C-G.
Other names: short protein forms P156R.
Identifiers: ClinVar variation 3496202 (VCV003496202.1).
Genomic context (GRCh38, chr7:130,382,193, plus strand): 5'-TGGCGGAGAACCCGCACCTTGTCAGCAAGATCCAGATTGGCAACACCTATGAAGGGCGTC[C>G]CATTTACGTGCTGAAGGTAACATCCACATGTGGACATACACAGGGGAGAATGGACCCACA-3'
Protein context (NP_001859.1, residues 146-166): IQIGNTYEGR[Pro156Arg]IYVLKFSTGG

ClinVar aggregate classification (germline): Uncertain significance (1 of 4 stars; one submission).

Conditions:
Hereditary pancreatitis (PCTT). Also called: Hereditary chronic pancreatitis; PRSS1-Related Hereditary Pancreatitis. Identifiers: Orphanet 676, MedGen C0238339, MONDO:0008185, OMIM 167800.

gnomAD v4.1: 1 of 1,613,930 alleles (0.000062%); highest among the groups gnomAD compares: Non-Finnish European, 0.000085%; no homozygotes.

Submission:

Ambry Genetics
Classification: Uncertain significance for Hereditary pancreatitis. Last evaluated: 2024-09-15. Review status: criteria provided, single submitter. Criteria: Ambry Variant Classification Scheme 2023. Collection method: clinical testing. Allele origin: germline.
Comment: The p.P156R variant (also known as c.467C>G), located in coding exon 4 of the CPA1 gene, results from a C to G substitution at nucleotide position 467. The proline at codon 156 is replaced by arginine, an amino acid with dissimilar properties. This amino acid position is conserved. In addition, the in silico prediction for this alteration is inconclusive. Based on the available evidence, the clinical significance of this variant remains unclear.